The following is an entry in ClinVar:

ClinVar aggregate classification (germline): Uncertain significance. Review status: criteria provided, multiple submitters, no conflicts (2 of 4 stars). 2 submissions from 2 submitters: Uncertain significance (2). Last evaluated 2022-11-27.

Conditions:
Cardiovascular phenotype. Identifiers: MedGen CN230736.
Capillary malformation-arteriovenous malformation syndrome. Also called: Capillary malformation-arteriovenous malformation. Identifiers: Orphanet 137667, MedGen C1842180, MONDO:0012016.

Allele frequency attached by ClinVar (database versions not stated): gnomAD 0.00001.
gnomAD v4.1: 4 of 1,610,938 alleles (0.00025%); highest among the groups gnomAD compares: Non-Finnish European, 0.00017%; no homozygotes.

Submissions (2):

Ambry Genetics
Classification: Uncertain significance for Cardiovascular phenotype. Last evaluated: 2022-11-27. Review status: criteria provided, single submitter. Criteria: Ambry Variant Classification Scheme 2023. Collection method: clinical testing. Allele origin: germline.
Comment: The p.Y49C variant (also known as c.146A>G), located in coding exon 1 of the RASA1 gene, results from an A to G substitution at nucleotide position 146. The tyrosine at codon 49 is replaced by cysteine, an amino acid with highly dissimilar properties. This amino acid position is conserved. In addition, this alteration is predicted to be tolerated by in silico analysis. Since supporting evidence is limited at this time, the clinical significance of this alteration remains unclear.

Labcorp Genetics (formerly Invitae), Labcorp
Classification: Uncertain significance for Capillary malformation-arteriovenous malformation syndrome. Last evaluated: 2020-01-28. Review status: criteria provided, single submitter. Criteria: Invitae Variant Classification Sherloc (09022015). Collection method: clinical testing. Allele origin: germline.
Comment: In summary, the available evidence is currently insufficient to determine the role of this variant in disease. Therefore, it has been classified as a Variant of Uncertain Significance. Algorithms developed to predict the effect of missense changes on protein structure and function output the following: SIFT: "Tolerated"; PolyPhen-2: "Possibly Damaging"; Align-GVGD: "Class C0". The cysteine amino acid residue is found in multiple mammalian species, suggesting that this missense change does not adversely affect protein function. These predictions have not been confirmed by published functional studies and their clinical significance is uncertain. This variant has not been reported in the literature in individuals with RASA1-related disease. This variant is not present in population databases (ExAC no frequency). This sequence change replaces tyrosine with cysteine at codon 49 of the RASA1 protein (p.Tyr49Cys). The tyrosine residue is weakly conserved and there is a large physicochemical difference between tyrosine and cysteine.

NM_002890.3(RASA1):c.146A>G (p.Tyr49Cys)

Gene: RASA1 (RAS p21 protein activator 1; plus strand). Cytogenetic location: 5q14.3.
Variant type: single nucleotide variant.
Coding change: c.146A>G on transcript NM_002890.3 (MANE Select); coding-DNA position 146, A replaced by G.
Protein change: p.Tyr49Cys; replaces tyrosine 49 with cysteine.
Molecular consequence: missense variant.
Genome position (GRCh38, 1-based): chr5:87,268,597, A>G. VCF-style: chr5-87268597-A-G. GRCh37 (hg19) VCF-style: chr5-86564414-A-G.
Other names: short protein forms Y49C.
Identifiers: ClinVar variation 642840 (VCV000642840.12), dbSNP rs1580178685, ClinGen allele CA360416860.